The following is an entry in ClinVar:

NM_001042492.3(NF1):c.4038C>A (p.Phe1346Leu)

Gene: NF1 (neurofibromin 1; plus strand). Cytogenetic location: 17q11.2.
Variant type: single nucleotide variant.
Coding change: c.4038C>A on transcript NM_001042492.3 (MANE Select); coding-DNA position 4038, C replaced by A.
Protein change: p.Phe1346Leu; replaces phenylalanine 1346 with leucine.
Molecular consequence: missense variant.
Genome position (GRCh38, 1-based): chr17:31,249,047, C>A. VCF-style: chr17-31249047-C-A. GRCh37 (hg19) VCF-style: chr17-29576065-C-A.
Other names: c.4038C>A, p.Phe1346Leu (NM_000267.4); short protein forms F1346L.
Identifiers: ClinVar variation 938693 (VCV000938693.6), dbSNP rs2067449447, ClinGen allele CA398994947.

ClinVar aggregate classification (germline): Uncertain significance (1 of 4 stars; one submission).

Conditions:
Neurofibromatosis, type 1 (NF1). Also called: Peripheral type neurofibromatosis; VON RECKLINGHAUSEN DISEASE; Neurofibromatosis, type I; NEUROFIBROMATOSIS, TYPE I, SOMATIC. Identifiers: Orphanet 636, MedGen C0027831, MONDO:0018975, OMIM 162200. Disease mechanism: loss of function.

Submission:

Labcorp Genetics (formerly Invitae), Labcorp
Classification: Uncertain significance for Neurofibromatosis, type 1. Last evaluated: 2024-09-13. Review status: criteria provided, single submitter. Criteria: Invitae Variant Classification Sherloc (09022015). Collection method: clinical testing. Allele origin: germline.
Comment: This sequence change replaces phenylalanine, which is neutral and non-polar, with leucine, which is neutral and non-polar, at codon 1346 of the NF1 protein (p.Phe1346Leu). This variant is not present in population databases (gnomAD no frequency). This variant has not been reported in the literature in individuals affected with NF1-related conditions. ClinVar contains an entry for this variant (Variation ID: 938693). Invitae Evidence Modeling of protein sequence and biophysical properties (such as structural, functional, and spatial information, amino acid conservation, physicochemical variation, residue mobility, and thermodynamic stability) has been performed for this missense variant. However, the output from this modeling did not meet the statistical confidence thresholds required to predict the impact of this variant on NF1 protein function. In summary, the available evidence is currently insufficient to determine the role of this variant in disease. Therefore, it has been classified as a Variant of Uncertain Significance.